The following is an entry in ClinVar:

NM_014629.4(ARHGEF10):c.1918C>T (p.Arg640Ter)

Gene: ARHGEF10 (Rho guanine nucleotide exchange factor 10; plus strand). Cytogenetic location: 8p23.3.
Variant type: single nucleotide variant.
Coding change: c.1918C>T on transcript NM_014629.4 (MANE Select); coding-DNA position 1918, C replaced by T.
Protein change: p.Arg640Ter; replaces arginine 640 with a stop codon.
Molecular consequence: nonsense.
Genome position (GRCh38, 1-based): chr8:1,905,667, C>T. VCF-style: chr8-1905667-C-T. GRCh37 (hg19) VCF-style: chr8-1853833-C-T.
Other names: c.1804C>T, p.Arg602Ter (NM_001308152.2); c.1918C>T, p.Arg640Ter (NM_001308153.3); short protein forms R640*, R664*, R602*.
Identifiers: ClinVar variation 2744332 (VCV002744332.3), dbSNP rs138007359, ClinGen allele CA4600628.

ClinVar aggregate classification (germline): Uncertain significance (1 of 4 stars; one submission).

Allele frequency attached by ClinVar (database versions not stated): gnomAD exomes below 0.00001; ExAC 0.00001; gnomAD 0.00001; TOPMed 0.00002; ESP Exome Variant Server 0.00015.
gnomAD v4.1: 9 of 1,614,022 alleles (0.00056%); highest among the groups gnomAD compares: East Asian, 0.0022%; no homozygotes.

Submission:

Labcorp Genetics (formerly Invitae), Labcorp
Classification: Uncertain significance. Last evaluated: 2024-01-08. Review status: criteria provided, single submitter. Criteria: Invitae Variant Classification Sherloc (09022015). Collection method: clinical testing. Allele origin: germline.
Comment: This sequence change creates a premature translational stop signal (p.Arg640*) in the ARHGEF10 gene. It is expected to result in an absent or disrupted protein product. However, the current clinical and genetic evidence is not sufficient to establish whether loss-of-function variants in ARHGEF10 cause disease. This variant is present in population databases (rs138007359, gnomAD 0.004%). This variant has not been reported in the literature in individuals affected with ARHGEF10-related conditions. Algorithms developed to predict the effect of sequence changes on RNA splicing suggest that this variant may disrupt the consensus splice site. In summary, the available evidence is currently insufficient to determine the role of this variant in disease. Therefore, it has been classified as a Variant of Uncertain Significance.